The following is an entry in ClinVar:

ClinVar aggregate classification (germline): Uncertain significance. Review status: criteria provided, multiple submitters, no conflicts (2 of 4 stars). 2 submissions from 2 submitters: Uncertain significance (2). Last evaluated 2024-04-15.

Conditions:
Marfan syndrome (MFS). Also called: Marfan syndrome type 1; Marfan's syndrome; FBN1-Related Marfan Syndrome; MARFAN SYNDROME, TYPE I; Marfan syndrome, classic. Identifiers: Orphanet 284963, Orphanet 558, MedGen C0024796, MONDO:0007947, OMIM 154700.
Familial thoracic aortic aneurysm and aortic dissection (TAAD). Also called: Thoracic aortic aneurysms and dissections. Identifiers: Orphanet 91387, MedGen C4707243, MONDO:0019625.

Allele frequency attached by ClinVar (database versions not stated): ExAC 0.00001; gnomAD exomes below 0.00001.
gnomAD v4.1: 6 of 1,613,954 alleles (0.00037%); highest among the groups gnomAD compares: South Asian, 0.0066%; no homozygotes.

Submissions (2):

Color Diagnostics, LLC DBA Color Health
Classification: Uncertain significance for Familial thoracic aortic aneurysm and aortic dissection. Last evaluated: 2024-04-15. Review status: criteria provided, single submitter. Criteria: ACMG Guidelines, 2015. Collection method: clinical testing. Allele origin: germline.
Comment: This missense variant replaces aspartic acid with glycine at codon 2852 of the FBN1 protein. Computational prediction is inconclusive regarding the impact of this variant on protein structure and function (internally defined REVEL score threshold 0.5 < inconclusive < 0.7, PMID: 27666373). To our knowledge, functional studies have not been reported for this variant. This variant has not been reported in individuals affected with FBN1-related disorders in the literature. This variant has been identified in 1/251118 chromosomes in the general population by the Genome Aggregation Database (gnomAD). The available evidence is insufficient to determine the role of this variant in disease conclusively. Therefore, this variant is classified as a Variant of Uncertain Significance.

Labcorp Genetics (formerly Invitae), Labcorp
Classification: Uncertain significance for Marfan syndrome; Familial thoracic aortic aneurysm and aortic dissection. Last evaluated: 2022-06-10. Review status: criteria provided, single submitter. Criteria: Invitae Variant Classification Sherloc (09022015). Collection method: clinical testing. Allele origin: germline.
Comment: This variant is present in population databases (rs773653099, gnomAD 0.003%). This sequence change replaces aspartic acid, which is acidic and polar, with glycine, which is neutral and non-polar, at codon 2852 of the FBN1 protein (p.Asp2852Gly). This variant has not been reported in the literature in individuals affected with FBN1-related conditions. In summary, the available evidence is currently insufficient to determine the role of this variant in disease. Therefore, it has been classified as a Variant of Uncertain Significance. Advanced modeling of protein sequence and biophysical properties (such as structural, functional, and spatial information, amino acid conservation, physicochemical variation, residue mobility, and thermodynamic stability) performed at Invitae indicates that this missense variant is expected to disrupt FBN1 protein function.

NM_000138.5(FBN1):c.8555A>G (p.Asp2852Gly)

Gene: FBN1 (fibrillin 1; minus strand). Cytogenetic location: 15q21.1.
Variant type: single nucleotide variant.
Coding change: c.8555A>G on transcript NM_000138.5 (MANE Select); coding-DNA position 8555, A replaced by G.
Protein change: p.Asp2852Gly; replaces aspartic acid 2852 with glycine.
Molecular consequence: missense variant.
Genome position (GRCh38, 1-based): chr15:48,411,051, T>C on the plus strand (A>G on the coding strand, the complement: FBN1 is on the minus strand). VCF-style: chr15-48411051-T-C. GRCh37 (hg19) VCF-style: chr15-48703248-T-C.
Other names: short protein forms D2852G.
Identifiers: ClinVar variation 1386962 (VCV001386962.7), dbSNP rs773653099, ClinGen allele CA060173.